The following is an entry in ClinVar:

NM_182961.4(SYNE1):c.9072T>C (p.Asn3024=)

Gene: SYNE1 (spectrin repeat containing nuclear envelope protein 1; minus strand). Cytogenetic location: 6q25.2.
Variant type: single nucleotide variant.
Coding change: c.9072T>C on transcript NM_182961.4 (MANE Select); coding-DNA position 9072, T replaced by C.
Protein change: p.Asn3024=; no amino-acid change (asparagine 3024 retained).
Molecular consequence: synonymous variant.
Genome position (GRCh38, 1-based): chr6:152,376,850, A>G on the plus strand (T>C on the coding strand, the complement: SYNE1 is on the minus strand). VCF-style: chr6-152376850-A-G. GRCh37 (hg19) VCF-style: chr6-152697985-A-G.
Other names: c.9093T>C, p.Asn3031= (NM_033071.5).
Identifiers: ClinVar variation 5039669 (VCV005039669.1).

ClinVar aggregate classification (germline): Uncertain significance (1 of 4 stars; one submission).

gnomAD v4.1: 15 of 1,614,150 alleles (0.00093%); highest among the groups gnomAD compares: South Asian, 0.012%; no homozygotes.

Submission:

CeGaT Center for Human Genetics Tuebingen
Classification: Uncertain significance. Last evaluated: 2026-08-01. Review status: criteria provided, single submitter. Criteria: CeGaT Center For Human Genetics Tuebingen Variant Classification Criteria Version 2. Collection method: clinical testing. Allele origin: germline. Affected: yes. Observed: 1 variant allele.
Comment: SYNE1: PM2:Supporting, BP4